The following is an entry in ClinVar:

ClinVar aggregate classification (germline): Pathogenic (1 of 4 stars; one submission).

Conditions:
Primary ciliary dyskinesia 3. Identifiers: Orphanet 244, MedGen C1837618, MONDO:0012085, OMIM 608644.

Submission:

Myriad Genetics, Inc.
Classification: Pathogenic for Primary ciliary dyskinesia 3. Last evaluated: 2024-05-14. Review status: criteria provided, single submitter. Criteria: Myriad Autosomal Dominant, Autosomal Recessive and X-Linked Classification Criteria (2023). Collection method: clinical testing. Allele origin: unknown.
Comment: NM_001369.2(DNAH5):c.11623_11624ins8(M3875Rfs*4) is expected to be pathogenic in the context of primary ciliary dyskinesia, DNAH5-related. This variant is predicted to lead to an abnormal or absent protein product due to the creation of a premature termination codon in DNAH5, a gene where loss-of-function variants are known to be pathogenic. Please note: this variant was assessed in the context of healthy population screening.

NM_001369.3(DNAH5):c.11623_11624insGATGTGTA (p.Met3875fs)

Gene: DNAH5 (dynein axonemal heavy chain 5; minus strand). Cytogenetic location: 5p15.2.
Variant type: Insertion.
Coding change: c.11623_11624insGATGTGTA on transcript NM_001369.3 (MANE Select); coding-DNA positions 11623 to 11624, GATGTGTA inserted.
Protein change: p.Met3875fs; shifts the reading frame from methionine 3875.
Molecular consequence: frameshift variant.
Genome position: GRCh38 VCF-style: chr5-13735268-A-ATACACATC. GRCh37 (hg19) VCF-style: chr5-13735377-A-ATACACATC.
Other names: short protein forms M3875fs.
Identifiers: ClinVar variation 5016416 (VCV005016416.1).
Genomic context (GRCh38, chr5:13,735,268, plus strand): 5'-AACAGGAATTTGTGCTCCTCGTACAGCCCTCGGGCAGCATACTTATAAACCTCGTAGGTC[A>ATACACATC]TGTGCTCGATGATATTAGCAATCCTCTTGCTTGTAATCGGGCTCTTGACAGACCTGGTGA-3'